The following is an entry in ClinVar:

NM_007103.4(NDUFV1):c.371C>T (p.Thr124Ile)

Gene: NDUFV1 (NADH:ubiquinone oxidoreductase core subunit V1; plus strand). Cytogenetic location: 11q13.2.
Variant type: single nucleotide variant.
Coding change: c.371C>T on transcript NM_007103.4 (MANE Select); coding-DNA position 371, C replaced by T.
Protein change: p.Thr124Ile; replaces threonine 124 with isoleucine.
Molecular consequence: missense variant.
Genome position (GRCh38, 1-based): chr11:67,609,496, C>T. VCF-style: chr11-67609496-C-T. GRCh37 (hg19) VCF-style: chr11-67376967-C-T.
Other names: c.344C>T, p.Thr115Ile (NM_001166102.2); short protein forms T124I, T115I.
Identifiers: ClinVar variation 426830 (VCV000426830.2), dbSNP rs780495375, ClinGen allele CA6143156.

ClinVar aggregate classification (germline): Uncertain significance (1 of 4 stars; one submission).

Allele frequency attached by ClinVar (database versions not stated): ExAC 0.00001; gnomAD 0.00001; gnomAD exomes 0.00001; TOPMed 0.00001.

Submission:

GeneDx
Classification: Uncertain significance. Last evaluated: 2017-10-23. Review status: criteria provided, single submitter. Criteria: GeneDx Variant Classification (06012015). Collection method: clinical testing. Allele origin: germline. Affected: yes.
Comment: The T124I variant has not been published as a pathogenic variant, nor has it been reported as a benign variant to our knowledge. The T124I variant is not observed at a significant frequency in large population cohorts (Lek et al., 2016; 1000 Genomes Consortium et al., 2015; Exome Variant Server). The T124I variant is a non-conservative amino acid substitution, which is likely to impact secondary protein structure as these residues differ in polarity, charge, size and/or other properties. This substitution occurs at a position that is conserved across species. In silico analysis predicts this variant is probably damaging to the protein structure/function. In summary, based on the currently available information, it is unclear whether this variant is a pathogenic variant or a rare benign variant.